The following is an entry in ClinVar:

NM_004304.5(ALK):c.4318G>C (p.Ala1440Pro)

Gene: ALK (ALK receptor tyrosine kinase; minus strand). Cytogenetic location: 2p23.2.
Variant type: single nucleotide variant.
Coding change: c.4318G>C on transcript NM_004304.5 (MANE Select); coding-DNA position 4318, G replaced by C.
Protein change: p.Ala1440Pro; replaces alanine 1440 with proline.
Molecular consequence: missense variant.
Genome position (GRCh38, 1-based): chr2:29,193,769, C>G on the plus strand (G>C on the coding strand, the complement: ALK is on the minus strand). VCF-style: chr2-29193769-C-G. GRCh37 (hg19) VCF-style: chr2-29416635-C-G.
Other names: c.1114G>C, p.Ala372Pro (NM_001353765.2); short protein forms A1440P, A372P.
Identifiers: ClinVar variation 933467 (VCV000933467.12), dbSNP rs1307483937, ClinGen allele CA346462651.

ClinVar aggregate classification (germline): Uncertain significance. Review status: criteria provided, multiple submitters, no conflicts (2 of 4 stars). 2 submissions from 2 submitters: Uncertain significance (2). Last evaluated 2025-03-22.

Conditions:
Hereditary cancer-predisposing syndrome. Also called: Tumor predisposition; Hereditary neoplastic syndrome; Neoplastic Syndromes, Hereditary; Hereditary Cancer Syndrome. Identifiers: Orphanet 140162, MedGen C0027672, MeSH D009386, MONDO:0015356.
Neuroblastoma, susceptibility to, 3. Also called: ALK-Related Neuroblastic Tumor Susceptibility. Identifiers: Orphanet 635, MedGen C2751681, MONDO:0013083, OMIM 613014.

Allele frequency attached by ClinVar (database versions not stated): gnomAD 0.00001; TOPMed 0.00001.
gnomAD v4.1: 2 of 1,593,370 alleles (0.00013%); highest among the groups gnomAD compares: Non-Finnish European, 0.00017%; no homozygotes.

Submissions (2):

Ambry Genetics
Classification: Uncertain significance for Hereditary cancer-predisposing syndrome. Last evaluated: 2025-03-22. Review status: criteria provided, single submitter. Criteria: Ambry Variant Classification Scheme 2023. Collection method: clinical testing. Allele origin: germline.
Comment: The p.A1440P variant (also known as c.4318G>C), located in coding exon 29 of the ALK gene, results from a G to C substitution at nucleotide position 4318. The alanine at codon 1440 is replaced by proline, an amino acid with highly similar properties. This amino acid position is conserved. In addition, this alteration is predicted to be tolerated by in silico analysis. Since supporting evidence is limited at this time, the clinical significance of this alteration remains unclear.

Labcorp Genetics (formerly Invitae), Labcorp
Classification: Uncertain significance for Neuroblastoma, susceptibility to, 3. Last evaluated: 2023-10-04. Review status: criteria provided, single submitter. Criteria: Invitae Variant Classification Sherloc (09022015). Collection method: clinical testing. Allele origin: germline.
Comment: This sequence change replaces alanine, which is neutral and non-polar, with proline, which is neutral and non-polar, at codon 1440 of the ALK protein (p.Ala1440Pro). This variant is not present in population databases (gnomAD no frequency). This variant has not been reported in the literature in individuals affected with ALK-related conditions. ClinVar contains an entry for this variant (Variation ID: 933467). An algorithm developed to predict the effect of missense changes on protein structure and function (PolyPhen-2) suggests that this variant is likely to be tolerated. In summary, the available evidence is currently insufficient to determine the role of this variant in disease. Therefore, it has been classified as a Variant of Uncertain Significance.